The following is an entry in ClinVar:

NM_014855.3(AP5Z1):c.1724T>G (p.Leu575Arg)

Gene: AP5Z1 (adaptor related protein complex 5 subunit zeta 1; plus strand). Cytogenetic location: 7p22.1.
Variant type: single nucleotide variant.
Coding change: c.1724T>G on transcript NM_014855.3 (MANE Select); coding-DNA position 1724, T replaced by G.
Protein change: p.Leu575Arg; replaces leucine 575 with arginine.
Molecular consequence: missense variant. On other transcripts: non-coding transcript variant (1).
Genome position (GRCh38, 1-based): chr7:4,789,848, T>G. VCF-style: chr7-4789848-T-G. GRCh37 (hg19) VCF-style: chr7-4829479-T-G.
Other names: c.1724T>G, p.Leu575Arg (LRG_1247t1); c.1256T>G, p.Leu419Arg (NM_001364858.1); short protein forms L575R, L419R.
Identifiers: ClinVar variation 360336 (VCV000360336.12), dbSNP rs562425834, ClinGen allele CA4138005.

ClinVar aggregate classification (germline): Uncertain significance. Review status: criteria provided, multiple submitters, no conflicts (2 of 4 stars). 3 submissions from 3 submitters: Uncertain significance (3). Last evaluated 2026-01-05.

Conditions:
Inborn genetic diseases. Identifiers: MedGen C0950123, MeSH D030342.
Hereditary spastic paraplegia 48. Also called: SPASTIC PARAPLEGIA 48, AUTOSOMAL RECESSIVE; Spastic paraplegia 48. Identifiers: Orphanet 306511, MedGen C3150901, MONDO:0013342, OMIM 613647.

Allele frequency attached by ClinVar (database versions not stated): gnomAD exomes 0.00007 and 0.00024; gnomAD 0.00019; 1000 Genomes Project 0.00020; ExAC 0.00027; TOPMed 0.00056; 1000 Genomes Project 30x 0.00094.
gnomAD v4.1: 140 of 1,552,566 alleles (0.009%); highest among the groups gnomAD compares: Admixed American, 0.12%; no homozygotes.

Submissions (3):

Labcorp Genetics (formerly Invitae), Labcorp
Classification: Uncertain significance for Hereditary spastic paraplegia 48. Last evaluated: 2026-01-05. Review status: criteria provided, single submitter. Criteria: Invitae Variant Classification Sherloc (09022015). Collection method: clinical testing. Allele origin: germline.
Comment: This sequence change replaces leucine, which is neutral and non-polar, with arginine, which is basic and polar, at codon 575 of the AP5Z1 protein (p.Leu575Arg). This variant is present in population databases (rs562425834, gnomAD 0.1%). This variant has not been reported in the literature in individuals affected with AP5Z1-related conditions. ClinVar contains an entry for this variant (Variation ID: 360336). Invitae Evidence Modeling of protein sequence and biophysical properties (such as structural, functional, and spatial information, amino acid conservation, physicochemical variation, residue mobility, and thermodynamic stability) indicates that this missense variant is expected to disrupt AP5Z1 protein function with a positive predictive value of 80%. In summary, the available evidence is currently insufficient to determine the role of this variant in disease. Therefore, it has been classified as a Variant of Uncertain Significance.

Ambry Genetics
Classification: Uncertain significance for Inborn genetic diseases. Last evaluated: 2022-05-13. Review status: criteria provided, single submitter. Criteria: Ambry Variant Classification Scheme 2023. Collection method: clinical testing. Allele origin: germline.

Illumina Laboratory Services, Illumina
Classification: Uncertain significance for Hereditary spastic paraplegia 48. Last evaluated: 2018-01-13. Review status: criteria provided, single submitter. Criteria: ICSL Variant Classification Criteria 13 December 2019. Collection method: clinical testing. Allele origin: germline.